The following is an entry in ClinVar:

ClinVar aggregate classification (germline): Benign. Review status: criteria provided, multiple submitters, no conflicts (2 of 4 stars). 3 submissions from 3 submitters: Benign (2). 1 of the submissions does not count toward it. Last evaluated 2018-06-08.

Conditions:
WASHC4-related disorder. Also called: WASHC4-related condition.

Allele frequency attached by ClinVar (database versions not stated): ESP Exome Variant Server 0.00119; gnomAD 0.00152 and 0.00156; TOPMed 0.00152; 1000 Genomes Project 30x 0.00203; 1000 Genomes Project 0.00240.
gnomAD v4.1: 448 of 1,604,566 alleles (0.028%); highest among the groups gnomAD compares: African/African-American, 0.54%; 2 homozygotes.

Submissions (3):

Labcorp Genetics (formerly Invitae), Labcorp
Classification: Benign. Last evaluated: 2018-06-08. Review status: criteria provided, single submitter. Criteria: Invitae Variant Classification Sherloc (09022015). Collection method: clinical testing. Allele origin: germline.

Breakthrough Genomics
Classification: Benign. Review status: criteria provided, single submitter. Criteria: ACMG Guidelines, 2015. Collection method: not provided. Allele origin: germline. Inheritance: Autosomal recessive inheritance. Affected: yes.

PreventionGenetics, part of Exact Sciences
Classification: Likely benign for WASHC4-related condition. Last evaluated: 2019-05-31. Review status: no assertion criteria provided. Collection method: clinical testing. Allele origin: germline. Not counted in ClinVar's aggregate classification.
Comment: This variant is classified as likely benign based on ACMG/AMP sequence variant interpretation guidelines (Richards et al. 2015 PMID: 25741868, with internal and published modifications).

NM_015275.3(WASHC4):c.117C>G (p.Thr39=)

Gene: WASHC4 (WASH complex subunit 4; plus strand). Cytogenetic location: 12q23.3.
Variant type: single nucleotide variant.
Coding change: c.117C>G on transcript NM_015275.3 (MANE Select); coding-DNA position 117, C replaced by G.
Protein change: p.Thr39=; no amino-acid change (threonine 39 retained).
Molecular consequence: synonymous variant.
Genome position (GRCh38, 1-based): chr12:105,111,180, C>G. VCF-style: chr12-105111180-C-G. GRCh37 (hg19) VCF-style: chr12-105504958-C-G.
Other names: c.117C>G, p.Thr39= (NM_001293640.2).
Identifiers: ClinVar variation 714546 (VCV000714546.6), dbSNP rs147988679, ClinGen allele CA6758209.